The following is an entry in ClinVar:

NM_021008.4(DEAF1):c.970T>C (p.Leu324=)

Gene: DEAF1 (DEAF1 transcription factor; minus strand). Cytogenetic location: 11p15.5.
Variant type: single nucleotide variant.
Coding change: c.970T>C on transcript NM_021008.4 (MANE Select); coding-DNA position 970, T replaced by C.
Protein change: p.Leu324=; no amino-acid change (leucine 324 retained).
Molecular consequence: synonymous variant. On other transcripts: intron variant (1).
Genome position (GRCh38, 1-based): chr11:680,990, A>G on the plus strand (T>C on the coding strand, the complement: DEAF1 is on the minus strand). VCF-style: chr11-680990-A-G. GRCh37 (hg19) VCF-style: chr11-680990-A-G.
Other names: c.244T>C, p.Leu82= (NM_001367390.1, NM_001440885.1, NM_001440886.1 and 1 more transcripts); c.970T>C, p.Leu324= (NM_001440883.1, NM_001440884.1); c.731-1174T>C (NM_001293634.2).
Identifiers: ClinVar variation 2912608 (VCV002912608.22), dbSNP rs755002147, ClinGen allele CA5786383.

ClinVar aggregate classification (germline): Likely benign. Review status: criteria provided, multiple submitters, no conflicts (2 of 4 stars). 3 submissions from 3 submitters: Likely benign (3). Last evaluated 2024-06-01.

Allele frequency attached by ClinVar (database versions not stated): ExAC 0.00001; gnomAD 0.00001; gnomAD exomes 0.00001; TOPMed 0.00001.
gnomAD v4.1: 11 of 1,614,000 alleles (0.00068%); highest among the groups gnomAD compares: East Asian, 0.013%; no homozygotes.

Submissions (3):

CeGaT Center for Human Genetics Tuebingen
Classification: Likely benign. Last evaluated: 2024-06-01. Review status: criteria provided, single submitter. Criteria: CeGaT Center For Human Genetics Tuebingen Variant Classification Criteria Version 2. Collection method: clinical testing. Allele origin: germline. Affected: yes. Observed: 1 variant allele.
Comment: DEAF1: BP4, BP7

Blueprint Genetics
Classification: Likely benign. Last evaluated: 2023-10-18. Review status: criteria provided, single submitter. Criteria: ACMG Guidelines, 2015. Collection method: clinical testing. Allele origin: germline.

Labcorp Genetics (formerly Invitae), Labcorp
Classification: Likely benign. Last evaluated: 2023-04-17. Review status: criteria provided, single submitter. Criteria: Invitae Variant Classification Sherloc (09022015). Collection method: clinical testing. Allele origin: germline.